The following is an entry in ClinVar:

ClinVar aggregate classification (germline): Pathogenic (1 of 4 stars; one submission).

Conditions:
Inborn genetic diseases. Identifiers: MedGen C0950123, MeSH D030342.

Submission:

Ambry Genetics
Classification: Pathogenic for Inborn genetic diseases. Last evaluated: 2024-07-02. Review status: criteria provided, single submitter. Criteria: Ambry Variant Classification Scheme 2023. Collection method: clinical testing. Allele origin: germline.
Comment: The c.4675_4678delTTCC (p.F1559Sfs*19) alteration, located in exon 18 (coding exon 18) of the ARID1B gene, consists of a deletion of 4 nucleotides from position 4675 to 4678, causing a translational frameshift with a predicted alternate stop codon after 19 amino acids. This alteration is expected to result in loss of function by premature protein truncation or nonsense-mediated mRNA decay. This variant was not reported in population-based cohorts in the Genome Aggregation Database (gnomAD). Based on the available evidence, this alteration is classified as pathogenic.

NM_001374828.1(ARID1B):c.5044_5047del (p.Phe1682fs)

Gene: ARID1B (AT-rich interaction domain 1B; plus strand). Cytogenetic location: 6q25.3.
Variant type: Deletion.
Coding change: c.5044_5047del on transcript NM_001374828.1 (MANE Select); coding-DNA positions 5044 to 5047, 4 bases deleted (TTCC; older notation c.5044_5047delTTCC).
Protein change: p.Phe1682fs; shifts the reading frame from phenylalanine 1682.
Molecular consequence: frameshift variant.
Genome position (GRCh38, 1-based): chr6:157,201,269-157,201,272, TTCC deleted; deleting any 4 consecutive bases within chr6:157,201,266-157,201,272 gives the same sequence; the c. name uses the placement nearest the transcript's 3' end. VCF-style (leftmost placement, unchanged base first): chr6-157201265-GTCCT-G. GRCh37 (hg19) VCF-style: chr6-157522399-GTCCT-G.
Other names: c.2545_2548del, p.Phe849fs (NM_001363725.2); c.4924_4927del, p.Phe1642fs (NM_001371656.1, NM_001374820.1); c.4885_4888del, p.Phe1629fs (NM_017519.3); c.4675_4678delTTCC (NM_020732.3); short protein forms F1642fs, F1682fs, F849fs, F1629fs.
Identifiers: ClinVar variation 3429044 (VCV003429044.1).